The following is an entry in ClinVar:

NM_003239.5(TGFB3):c.782G>C (p.Arg261Pro)

Gene: TGFB3 (transforming growth factor beta 3; minus strand). Cytogenetic location: 14q24.3.
Variant type: single nucleotide variant.
Coding change: c.782G>C on transcript NM_003239.5 (MANE Select); coding-DNA position 782, G replaced by C.
Protein change: p.Arg261Pro; replaces arginine 261 with proline.
Molecular consequence: missense variant.
Genome position (GRCh38, 1-based): chr14:75,963,460, C>G on the plus strand (G>C on the coding strand, the complement: TGFB3 is on the minus strand). VCF-style: chr14-75963460-C-G. GRCh37 (hg19) VCF-style: chr14-76429803-C-G.
Other names: c.782G>C, p.Arg261Pro (NM_001329938.2, NM_001329939.2); short protein forms R261P.
Identifiers: ClinVar variation 519036 (VCV000519036.8), dbSNP rs547264290, ClinGen allele CA7280337.

ClinVar aggregate classification (germline): Uncertain significance. Review status: criteria provided, multiple submitters, no conflicts (2 of 4 stars). 3 submissions from 3 submitters: Uncertain significance (3). Last evaluated 2025-07-22.

Conditions:
Rienhoff syndrome. Also called: LOEYS-DIETZ SYNDROME 5. Identifiers: MedGen C3810012, MONDO:0014262, OMIM 615582.
Familial thoracic aortic aneurysm and aortic dissection (TAAD). Also called: Thoracic aortic aneurysms and dissections. Identifiers: Orphanet 91387, MedGen C4707243, MONDO:0019625.

Allele frequency attached by ClinVar (database versions not stated): ExAC 0.00001.
gnomAD v4.1: 1 of 1,614,198 alleles (0.000062%); highest among the groups gnomAD compares: Non-Finnish European, 0.000085%; no homozygotes.

Submissions (3):

Labcorp Genetics (formerly Invitae), Labcorp
Classification: Uncertain significance for Rienhoff syndrome. Last evaluated: 2025-07-22. Review status: criteria provided, single submitter. Criteria: Invitae Variant Classification Sherloc (09022015). Collection method: clinical testing. Allele origin: germline.
Comment: This sequence change replaces arginine, which is basic and polar, with proline, which is neutral and non-polar, at codon 261 of the TGFB3 protein (p.Arg261Pro). This variant is present in population databases (rs547264290, gnomAD 0.0009%). This variant has not been reported in the literature in individuals affected with TGFB3-related conditions. ClinVar contains an entry for this variant (Variation ID: 519036). An algorithm developed to predict the effect of missense changes on protein structure and function (PolyPhen-2) suggests that this variant is likely to be disruptive. In summary, the available evidence is currently insufficient to determine the role of this variant in disease. Therefore, it has been classified as a Variant of Uncertain Significance.

CHEO Genetics Diagnostic Laboratory, Children's Hospital of Eastern Ontario
Classification: Uncertain significance for Familial thoracic aortic aneurysm and aortic dissection. Last evaluated: 2020-05-20. Review status: criteria provided, single submitter. Criteria: ACMG Guidelines, 2015. Collection method: clinical testing. Allele origin: germline.

Ambry Genetics
Classification: Uncertain significance for Familial thoracic aortic aneurysm and aortic dissection. Last evaluated: 2017-09-15. Review status: criteria provided, single submitter. Criteria: Ambry Variant Classification Scheme 2023. Collection method: clinical testing. Allele origin: germline.
Comment: The p.R261P variant (also known as c.782G>C), located in coding exon 5 of the TGFB3 gene, results from a G to C substitution at nucleotide position 782. The arginine at codon 261 is replaced by proline, an amino acid with dissimilar properties. This amino acid position is highly conserved in available vertebrate species. In addition, the in silico prediction for this alteration is inconclusive. Since supporting evidence is limited at this time, the clinical significance of this alteration remains unclear.